The following is an entry in ClinVar:

NM_001972.4(ELANE):c.397G>C (p.Val133Leu)

Gene: ELANE (elastase, neutrophil expressed; plus strand). Cytogenetic location: 19p13.3.
Variant type: single nucleotide variant.
Coding change: c.397G>C on transcript NM_001972.4 (MANE Select); coding-DNA position 397, G replaced by C.
Protein change: p.Val133Leu; replaces valine 133 with leucine.
Molecular consequence: missense variant.
Genome position (GRCh38, 1-based): chr19:855,594, G>C. VCF-style: chr19-855594-G-C. GRCh37 (hg19) VCF-style: chr19-855594-G-C.
Other names: short protein forms V133L.
Identifiers: ClinVar variation 5035888 (VCV005035888.1).

ClinVar aggregate classification (germline): Uncertain significance (1 of 4 stars; one submission).

Conditions:
Inborn genetic diseases. Identifiers: MedGen C0950123, MeSH D030342.

Submission:

Ambry Genetics
Classification: Uncertain significance for Inborn genetic diseases. Last evaluated: 2026-07-26. Review status: criteria provided, single submitter. Criteria: Ambry Variant Classification Scheme 2023. Collection method: clinical testing. Allele origin: germline.
Comment: The p.V133L variant (also known as c.397G>C), located in coding exon 4 of the ELANE gene, results from a G to C substitution at nucleotide position 397. The valine at codon 133 is replaced by leucine, an amino acid with highly similar properties. This amino acid position is conserved. In addition, the in silico prediction for this alteration is inconclusive. Based on the available evidence, the clinical significance of this variant remains unclear.